The following is an entry in ClinVar:

ClinVar aggregate classification (germline): Uncertain significance (1 of 4 stars; one submission).

Conditions:
Oto-palato-digital syndrome, type II (OPD2). Also called: FACIOPALATOOSSEOUS SYNDROME; OPD II SYNDROME; Otopalatodigital Syndrome Type 2 (FLNA-OPD2); Otopalatodigital Syndrome, Type II. Identifiers: Orphanet 669, Orphanet 90652, MedGen C1844696, MONDO:0010571, OMIM 304120.
Melnick-Needles syndrome (MNS). Also called: MELNICK-NEEDLES OSTEODYSPLASTY; OSTEODYSPLASTY OF MELNICK AND NEEDLES; Melnick-Needles Syndrome (FLNA-MNS). Identifiers: Orphanet 2484, MedGen C0025237, MONDO:0010650, OMIM 309350.
Frontometaphyseal dysplasia (FMD1). Identifiers: Orphanet 1826, MedGen C0265293, MONDO:0015942.
Heterotopia, periventricular, X-linked dominant (PVNH1). Also called: PERIVENTRICULAR NODULAR HETEROTOPIA 1; X-linked periventricular heterotopia; PERIVENTRICULAR NODULAR HETEROTOPIA 4; HETEROTOPIA, PERIVENTRICULAR, 1. Identifiers: Orphanet 2149, Orphanet 82004, MedGen C1848213, MONDO:0010233, OMIM 300049.

Submission:

Labcorp Genetics (formerly Invitae), Labcorp
Classification: Uncertain significance for Oto-palato-digital syndrome, type II; Heterotopia, periventricular, X-linked dominant; Frontometaphyseal dysplasia; Melnick-Needles syndrome. Last evaluated: 2025-01-07. Review status: criteria provided, single submitter. Criteria: Invitae Variant Classification Sherloc (09022015). Collection method: clinical testing. Allele origin: germline.
Comment: This sequence change falls in intron 21 of the FLNA gene. It does not directly change the encoded amino acid sequence of the FLNA protein. It affects a nucleotide within the consensus splice site. This variant is not present in population databases (gnomAD no frequency). This variant has not been reported in the literature in individuals affected with FLNA-related conditions. ClinVar contains an entry for this variant (Variation ID: 2006934). Variants that disrupt the consensus splice site are a relatively common cause of aberrant splicing (PMID: 17576681, 9536098). Algorithms developed to predict the effect of sequence changes on RNA splicing suggest that this variant is not likely to affect RNA splicing. In summary, the available evidence is currently insufficient to determine the role of this variant in disease. Therefore, it has been classified as a Variant of Uncertain Significance.

Literature cited by the submitters: PubMed 17576681; PubMed 9536098.

NM_001110556.2(FLNA):c.3207+6T>A

Gene: FLNA (filamin A; minus strand). Cytogenetic location: Xq28.
Variant type: single nucleotide variant.
Coding change: c.3207+6T>A on transcript NM_001110556.2 (MANE Select); 6 bases into the intron after coding-DNA position 3207, T replaced by A.
Molecular consequence: intron variant.
Genome position (GRCh38, 1-based): chrX:154,361,302, A>T on the plus strand (T>A on the coding strand, the complement: FLNA is on the minus strand). VCF-style: chrX-154361302-A-T. GRCh37 (hg19) VCF-style: chrX-153589670-A-T.
Other names: c.3207+6T>A (NM_001456.4).
Identifiers: ClinVar variation 2006934 (VCV002006934.4), dbSNP rs2522744694, ClinGen allele CA2580101733.